The following is an entry in ClinVar:

ClinVar aggregate classification (germline): Conflicting classifications of pathogenicity. Review status: criteria provided, conflicting classifications (1 of 4 stars). 8 submissions from 8 submitters: Uncertain significance (1); Likely benign (7). Last evaluated 2026-01-27.

Conditions:
Hereditary breast ovarian cancer syndrome. Also called: Breast and ovarian cancer; Hereditary breast and ovarian cancer; Hereditary breast and/or ovarian cancer syndrome; BRCA1- and BRCA2-Associated Hereditary Breast and Ovarian Cancer; Hereditary breast and ovarian cancer syndrome (HBOC); Hereditary breast and ovarian cancer syndrome. Identifiers: Orphanet 145, MedGen C0677776, MeSH D061325, MONDO:0003582. Disease mechanism: loss of function.
BRCA1-related cancer predisposition. Identifiers: MedGen CN377757, MONDO:0700268.
Hereditary cancer-predisposing syndrome. Also called: Tumor predisposition; Neoplastic Syndromes, Hereditary; Hereditary neoplastic syndrome; Hereditary Cancer Syndrome. Identifiers: Orphanet 140162, MedGen C0027672, MeSH D009386, MONDO:0015356.

Allele frequency attached by ClinVar (database versions not stated): gnomAD exomes below 0.00001; TOPMed below 0.00001.

Submissions (8):

Labcorp Genetics (formerly Invitae), Labcorp
Classification: Likely benign for Hereditary breast ovarian cancer syndrome. Last evaluated: 2026-01-27. Review status: criteria provided, single submitter. Criteria: Invitae Variant Classification Sherloc (09022015). Collection method: clinical testing. Allele origin: germline.

All of Us Research Program, National Institutes of Health
Classification: Likely benign for BRCA1-related cancer predisposition. Last evaluated: 2024-07-29. Review status: criteria provided, single submitter. Criteria: ACMG Guidelines, 2015. Collection method: clinical testing. Allele origin: germline. Inheritance: Autosomal dominant inheritance. Observed: 3 variant alleles, 3 heterozygotes.
Comment: This study involves interpretation of variants in research participants for the purpose of population health screening. Participant phenotype was not available at the time of variant classification. Additional details can be found in publication PMID: 35346344, PMCID: PMC8962531

Women's Health and Genetics/Laboratory Corporation of America, LabCorp
Classification: Likely benign. Last evaluated: 2023-04-30. Review status: criteria provided, single submitter. Criteria: LabCorp Variant Classification Summary - May 2015. Collection method: clinical testing. Allele origin: germline.

Quest Diagnostics Nichols Institute San Juan Capistrano
Classification: Uncertain significance. Last evaluated: 2023-01-04. Review status: criteria provided, single submitter. Criteria: Quest Diagnostics criteria. Collection method: clinical testing. Allele origin: unknown.
Comment: To the best of our knowledge, the variant has not been reported in the published literature. It also has not been reported in large, multi-ethnic general populations. Analysis of this variant using software algorithms for the prediction of the effect of nucleotide changes on splicing yielded predictions that this variant does not affect BRCA1 mRNA splicing . Based on the available information, we are unable to determine the clinical significance of this variant.

Sema4
Classification: Likely benign for Hereditary cancer-predisposing syndrome. Last evaluated: 2021-06-11. Review status: criteria provided, single submitter. Criteria: Sema4 Curation Guidelines. Collection method: curation. Allele origin: germline.

Color Diagnostics, LLC DBA Color Health
Classification: Likely benign for Hereditary cancer-predisposing syndrome. Last evaluated: 2017-12-06. Review status: criteria provided, single submitter. Criteria: ACMG Guidelines, 2015. Collection method: clinical testing. Allele origin: germline.

Ambry Genetics
Classification: Likely benign for Hereditary cancer-predisposing syndrome. Last evaluated: 2017-06-02. Review status: criteria provided, single submitter. Criteria: Ambry Variant Classification Scheme 2023. Collection method: clinical testing. Allele origin: germline.

GeneDx
Classification: Likely benign. Last evaluated: 2017-01-27. Review status: criteria provided, single submitter. Criteria: GeneDx Variant Classification (06012015). Collection method: clinical testing. Allele origin: germline. Affected: yes.
Comment: This variant is considered likely benign or benign based on one or more of the following criteria: it is a conservative change, it occurs at a poorly conserved position in the protein, it is predicted to be benign by multiple in silico algorithms, and/or has population frequency not consistent with disease.

NM_007294.4(BRCA1):c.1008A>G (p.Thr336=)

Gene: BRCA1 (BRCA1 DNA repair associated; minus strand). Cytogenetic location: 17q21.31.
Variant type: single nucleotide variant.
Coding change: c.1008A>G on transcript NM_007294.4 (MANE Select); coding-DNA position 1008, A replaced by G.
Protein change: p.Thr336=; no amino-acid change (threonine 336 retained).
Molecular consequence: synonymous variant. On other transcripts: intron variant (137).
Genome position (GRCh38, 1-based): chr17:43,094,523, T>C on the plus strand (A>G on the coding strand, the complement: BRCA1 is on the minus strand). VCF-style: chr17-43094523-T-C. GRCh37 (hg19) VCF-style: chr17-41246540-T-C.
Other names: c.744A>G, p.Thr248= (NM_001407922.1, NM_001407926.1, NM_001407927.1 and 9 more transcripts); c.1008A>G, p.Thr336= (NM_001407583.1, NM_001407581.1, NM_001407582.1 and 30 more transcripts); c.795A>G, p.Thr265= (NM_001407571.1, NM_001407853.1, NM_001407894.1 and 9 more transcripts); c.577+221A>G (NM_001408482.1, NM_001408484.1, NM_001408478.1 and 9 more transcripts); c.520+221A>G (NM_001408504.1, NM_001408503.1, NM_001408505.1); c.643+221A>G (NM_001408463.1, NM_001408462.1, NM_001408470.1 and 3 more transcripts); c.523+221A>G (NM_001408499.1, NM_001408498.1, NM_001408501.1 and 3 more transcripts); c.670+1323A>G (NM_001408422.1, NM_001408418.1, NM_001408423.1 and 2 more transcripts); and 40 more.
Identifiers: ClinVar variation 415571 (VCV000415571.25), dbSNP rs1060504568, ClinGen allele CA16615388.
Genomic context (GRCh38, chr17:43,094,523, plus strand): 5'-CTGCTTATTCCATTCTTTTCTCTCACACAGGGGATCAGCATTCAGATCTACCTTTTTTTC[T>C]GTGCTGGGAGTCCGCCTATCATTACATGTTTCCTTACTTCCAGCCCATCTGTTATGTTGG-3'
Protein context (NP_009225.1, residues 326-346): ETCNDRRTPS[Thr336=]EKKVDLNADP